The following is an entry in ClinVar:

NM_002474.3(MYH11):c.2476T>C (p.Tyr826His)

Gene: MYH11 (myosin heavy chain 11; minus strand). Cytogenetic location: 16p13.11.
Variant type: single nucleotide variant.
Coding change: c.2476T>C on transcript NM_002474.3 (MANE Select); coding-DNA position 2476, T replaced by C.
Protein change: p.Tyr826His; replaces tyrosine 826 with histidine.
Molecular consequence: missense variant.
Genome position (GRCh38, 1-based): chr16:15,745,173, A>G on the plus strand (T>C on the coding strand, the complement: MYH11 is on the minus strand). VCF-style: chr16-15745173-A-G. GRCh37 (hg19) VCF-style: chr16-15839030-A-G.
Other names: c.2497T>C, p.Tyr833His (NM_001040113.2, NM_001040114.2); c.2476T>C, p.Tyr826His (NM_022844.3); short protein forms Y826H, Y833H.
Identifiers: ClinVar variation 1320847 (VCV001320847.7), dbSNP rs1436181127, ClinGen allele CA394866809.

ClinVar aggregate classification (germline): Uncertain significance. Review status: criteria provided, multiple submitters, no conflicts (2 of 4 stars). 6 submissions from 6 submitters: Uncertain significance (6). Last evaluated 2025-11-03.

Conditions:
Aortic aneurysm, familial thoracic 4 (AAT4). Also called: AORTIC ANEURYSM/AORTIC DISSECTION AND PATENT DUCTUS ARTERIOSUS. Identifiers: MedGen C1851504, MONDO:0007568, OMIM 132900.
Familial thoracic aortic aneurysm and aortic dissection (TAAD). Also called: Thoracic aortic aneurysms and dissections. Identifiers: Orphanet 91387, MedGen C4707243, MONDO:0019625.

Allele frequency attached by ClinVar (database versions not stated): TOPMed below 0.00001; gnomAD 0.00001; gnomAD exomes 0.00001.
gnomAD v4.1: 20 of 1,614,014 alleles (0.0012%); highest among the groups gnomAD compares: Non-Finnish European, 0.0017%; no homozygotes.

Submissions (6):

Labcorp Genetics (formerly Invitae), Labcorp
Classification: Uncertain significance for Aortic aneurysm, familial thoracic 4. Last evaluated: 2025-11-03. Review status: criteria provided, single submitter. Criteria: Invitae Variant Classification Sherloc (09022015). Collection method: clinical testing. Allele origin: germline.
Comment: This sequence change replaces tyrosine, which is neutral and polar, with histidine, which is basic and polar, at codon 833 of the MYH11 protein (p.Tyr833His). This variant is present in population databases (no rsID available, gnomAD 0.007%). This variant has not been reported in the literature in individuals affected with MYH11-related conditions. ClinVar contains an entry for this variant (Variation ID: 1320847). Invitae Evidence Modeling of protein sequence and biophysical properties (such as structural, functional, and spatial information, amino acid conservation, physicochemical variation, residue mobility, and thermodynamic stability) indicates that this missense variant is not expected to disrupt MYH11 protein function with a negative predictive value of 95%. In summary, the available evidence is currently insufficient to determine the role of this variant in disease. Therefore, it has been classified as a Variant of Uncertain Significance.

Ambry Genetics
Classification: Uncertain significance for Familial thoracic aortic aneurysm and aortic dissection. Last evaluated: 2024-01-08. Review status: criteria provided, single submitter. Criteria: Ambry Variant Classification Scheme 2023. Collection method: clinical testing. Allele origin: germline.
Comment: The p.Y826H variant (also known as c.2476T>C), located in coding exon 19 of the MYH11 gene, results from a T to C substitution at nucleotide position 2476. The tyrosine at codon 826 is replaced by histidine, an amino acid with similar properties. This amino acid position is conserved. In addition, this alteration is predicted to be deleterious by in silico analysis. Since supporting evidence is limited at this time, the clinical significance of this alteration remains unclear.

All of Us Research Program, National Institutes of Health
Classification: Uncertain significance for Familial thoracic aortic aneurysm and aortic dissection. Last evaluated: 2023-12-01. Review status: criteria provided, single submitter. Criteria: ACMG Guidelines, 2015. Collection method: clinical testing. Allele origin: germline. Inheritance: Autosomal dominant inheritance. Observed: 2 variant alleles, 2 heterozygotes.
Comment: This study involves interpretation of variants in research participants for the purpose of population health screening. Participant phenotype was not available at the time of variant classification. Additional details can be found in publication PMID: 35346344, PMCID: PMC8962531

Women's Health and Genetics/Laboratory Corporation of America, LabCorp
Classification: Uncertain significance. Last evaluated: 2022-05-02. Review status: criteria provided, single submitter. Criteria: LabCorp Variant Classification Summary - May 2015. Collection method: clinical testing. Allele origin: germline.
Comment: Variant summary: MYH11 c.2497T>C (p.Tyr833His) results in a conservative amino acid change in the encoded protein sequence. Four of five in-silico tools predict a damaging effect of the variant on protein function. The variant allele was found at a frequency of 6.6e-06 in 150928 control chromosomes (gnomAD v3.1.2). The available data on variant occurrences in the general population are insufficient to allow any conclusion about variant significance. To our knowledge, no occurrence of c.2497T>C in individuals affected with Thoracic Aortic Aneurysms And Dissections and no experimental evidence demonstrating its impact on protein function have been reported. One ClinVar submitter has assessed the variant since 2014: the variant was classified as of uncertain significance. Based on the evidence outlined above, the variant was classified as uncertain significance.

AiLife Diagnostics
Classification: Uncertain significance. Last evaluated: 2021-12-14. Review status: criteria provided, single submitter. Criteria: ACMG Guidelines, 2015. Collection method: clinical testing. Allele origin: germline. Affected: yes. Observed: 1 variant allele.

GeneDx
Classification: Uncertain significance. Last evaluated: 2019-11-05. Review status: criteria provided, single submitter. Criteria: GeneDx Variant Classification Process June 2021. Collection method: clinical testing. Allele origin: germline. Affected: yes.
Comment: Has not been previously published as pathogenic or benign to our knowledge; Not observed at a significant frequency in large population cohorts (Lek et al., 2016); In silico analysis, which includes protein predictors and evolutionary conservation, supports a deleterious effect